The following is an entry in ClinVar:

ClinVar aggregate classification (germline): Likely pathogenic (1 of 4 stars; one submission).

Conditions:
Malignant tumor of breast. Also called: Malignant breast neoplasm; Cancer breast. Identifiers: MedGen C0006142, MONDO:0007254. Disease mechanism: loss of function.

Submission:

Women's Health and Genetics/Laboratory Corporation of America, LabCorp
Classification: Likely pathogenic for Malignant tumor of breast. Last evaluated: 2024-01-08. Review status: criteria provided, single submitter. Criteria: LabCorp Variant Classification Summary - May 2015. Collection method: clinical testing. Allele origin: germline.
Comment: Variant summary: The variant involves the duplication of exons 14-15 in the CDH1 gene. A presumed nomenclature of c.(2164+1_2165-1)_(2439+1_2440-1)dup has been designated for the purposes of this classification. It is assumed to be a tandem duplication in direct orientation (Richardson_GIM_2018, Newman_AJHG_2015). This Copy Number Variant (CNV) is expected to alter the reading frame and predicted to result in a truncation or absence of the encoded protein due to nonsense mediated decay (NMD). The variant was absent in 120780 control chromosomes in the gnomAD database (Structural Variants v4.0 dataset). The available data on variant occurrences in the general population are insufficient to allow any conclusion about variant significance. To our knowledge, no occurrence of c.(2164+1_2165-1)_(2439+1_2440-1)dup in individuals affected with Breast Cancer and no experimental evidence demonstrating its impact on protein function have been reported. No submitters have cited clinical-significance assessments for this variant to ClinVar. Based on the evidence outlined above, the variant was classified as likely pathogenic.

NC_000016.9:g.(68857530_68862076)_(68863701_68867192)dup

Gene: CDH1 (cadherin 1; plus strand). Cytogenetic location: 16q22.1.
Variant type: Duplication.
Identifiers: ClinVar variation 3063808 (VCV003063808.2).